The following is an entry in ClinVar:

NM_005751.5(AKAP9):c.405+1G>A

Gene: AKAP9 (A-kinase anchoring protein 9; plus strand). Cytogenetic location: 7q21.2.
Variant type: single nucleotide variant.
Coding change: c.405+1G>A on transcript NM_005751.5 (MANE Select); the canonical splice donor site of the intron after coding-DNA position 405, G replaced by A.
Molecular consequence: splice donor variant.
Genome position (GRCh38, 1-based): chr7:91,992,212, G>A. VCF-style: chr7-91992212-G-A. GRCh37 (hg19) VCF-style: chr7-91621526-G-A.
Other names: c.405+1G>A (NM_147185.3).
Identifiers: ClinVar variation 3225056 (VCV003225056.1), dbSNP rs757027446, ClinGen allele CA368119313.
Genomic context (GRCh38, chr7:91,992,212, plus strand): 5'-ATACAGGTAAATGGTTGCAGTTTTGTGATGAGAACAGGAAAGCCTACAAATTTATTAAGG[G>A]TACAGTATTTAAAACTACTTGTGATACTAATGTTGGATACTATTTAAAATCATCTGGCTT-3'

ClinVar aggregate classification (germline): Uncertain significance (1 of 4 stars; one submission).

Conditions:
Cardiovascular phenotype. Identifiers: MedGen CN230736.

Allele frequency attached by ClinVar (database versions not stated): TOPMed below 0.00001; gnomAD 0.00001.
gnomAD v4.1: 3 of 1,602,852 alleles (0.00019%); highest among the groups gnomAD compares: African/African-American, 0.0013%; no homozygotes.

Submission:

Ambry Genetics
Classification: Uncertain significance for Cardiovascular phenotype. Last evaluated: 2023-09-21. Review status: criteria provided, single submitter. Criteria: Ambry Variant Classification Scheme 2023. Collection method: clinical testing. Allele origin: germline.
Comment: The c.405+1G>A intronic variant results from a G to A substitution one nucleotide after coding exon 4 of the AKAP9 gene. This nucleotide position is highly conserved in available vertebrate species. In silico splice site analysis predicts that this alteration will not have any significant effect on splicing. Alterations that disrupt the canonical splice site are expected to cause aberrant splicing, resulting in an abnormal protein or a transcript that is subject to nonsense-mediated mRNA decay. However, loss of function of AKAP9 has not been established as a mechanism of disease. The evidence for this gene-disease relationship is limited; therefore, the clinical significance of this alteration is unclear.